The following is an entry in ClinVar:

NM_015570.4(AUTS2):c.3377ACC[9] (p.His1133dup)

Gene: AUTS2 (activator of transcription and developmental regulator AUTS2; plus strand). Cytogenetic location: 7q11.22.
Variant type: Microsatellite.
Coding change: c.3377ACC[9] on transcript NM_015570.4 (MANE Select); nine copies in a row of the 3-base unit ACC starting at c.3377; the reference has eight copies in a row; one copy, 3 bases duplicated; also written c.3398_3400dup.
Protein change: p.His1133dup; duplicates histidine 1133.
Molecular consequence: inframe insertion.
Genome position (GRCh38, 1-based): chr7:70,790,614-70,790,616, ACC duplicated; duplicating any 3 consecutive bases within chr7:70,790,591-70,790,616 gives the same sequence; the position shown is the placement nearest the transcript's 3' end. VCF-style (leftmost placement, unchanged base first): chr7-70790590-G-GCCA. GRCh37 (hg19) VCF-style: chr7-70255576-G-GCCA.
Other names: c.3305ACC[9], p.His1109dup (NM_001127231.3); c.3398_3400dup (NM_015570.3).
Identifiers: ClinVar variation 374065 (VCV000374065.17), dbSNP rs538005366, ClinGen allele CA4281316.

ClinVar aggregate classification (germline): Conflicting classifications of pathogenicity. Review status: criteria provided, conflicting classifications (1 of 4 stars). 5 submissions from 4 submitters: Uncertain significance (2); Benign (2); Likely benign (1). Last evaluated 2026-01-28.

Conditions:
Autism spectrum disorder due to AUTS2 deficiency (MRD26). Also called: INTELLECTUAL DEVELOPMENTAL DISORDER, AUTOSOMAL DOMINANT 26. Identifiers: Orphanet 352490, MedGen C4014435, MONDO:0014361, OMIM 615834.
Global developmental delay (DD). Also called: Cognitive delay. Identifiers: MedGen C0557874, HP:0001263. Disease mechanism: loss of function.
Autism (AUTS). Also called: Autistic disorder; Autistic disorder of childhood onset. Identifiers: MedGen C0004352, MeSH D001321, MONDO:0005260, OMIM 209850, HP:0000717.

Submissions (5):

Labcorp Genetics (formerly Invitae), Labcorp
Classification: Benign. Last evaluated: 2026-01-28. Review status: criteria provided, single submitter. Criteria: Invitae Variant Classification Sherloc (09022015). Collection method: clinical testing. Allele origin: germline.

GeneDx
Classification: Benign. Last evaluated: 2019-10-11. Review status: criteria provided, single submitter. Criteria: GeneDx Variant Classification Process June 2021. Collection method: clinical testing. Allele origin: germline. Affected: yes.

Center for Pediatric Genomic Medicine, Children's Mercy Hospital and Clinics
Classification: Likely benign. Last evaluated: 2016-10-27. Review status: criteria provided, single submitter. Criteria: ACMG Guidelines, 2015. Collection method: clinical testing. Allele origin: germline.
ClinVar note: Converted during submission from Likely Benign to Likely benign.

Centre for Mendelian Genomics, University Medical Centre Ljubljana
Classification: Uncertain significance for Autism spectrum disorder due to AUTS2 deficiency. Last evaluated: 2016-01-01. Review status: criteria provided, single submitter. Criteria: ACMG Guidelines, 2015. Collection method: clinical testing. Allele origin: unknown. Affected: yes.
Comment: This variant was classified as: Uncertain significance.

Centre for Mendelian Genomics, University Medical Centre Ljubljana
Classification: Uncertain significance for Autism; Global developmental delay. Last evaluated: 2015-03-31. Review status: criteria provided, single submitter. Criteria: ACMG Guidelines, 2015. Collection method: clinical testing. Allele origin: unknown. Affected: yes.